The following is an entry in ClinVar:

ClinVar aggregate classification (germline): Uncertain significance (1 of 4 stars; one submission).

Submission:

Labcorp Genetics (formerly Invitae), Labcorp
Classification: Uncertain significance. Last evaluated: 2021-11-04. Review status: criteria provided, single submitter. Criteria: Invitae Variant Classification Sherloc (09022015). Collection method: clinical testing. Allele origin: germline.
Comment: In summary, the available evidence is currently insufficient to determine the role of this variant in disease. Therefore, it has been classified as a Variant of Uncertain Significance. Algorithms developed to predict the effect of sequence changes on RNA splicing suggest that this variant may create or strengthen a splice site. This sequence change replaces methionine, which is neutral and non-polar, with arginine, which is basic and polar, at codon 25 of the ERCC2 protein (p.Met25Arg). This variant is not present in population databases (gnomAD no frequency). This variant has not been reported in the literature in individuals affected with ERCC2-related conditions. Algorithms developed to predict the effect of missense changes on protein structure and function are either unavailable or do not agree on the potential impact of this missense change (SIFT: "Deleterious"; PolyPhen-2: "Probably Damaging"; Align-GVGD: "Class C0").

NM_000400.4(ERCC2):c.74T>G (p.Met25Arg)

Gene: ERCC2 (ERCC excision repair 2, TFIIH core complex helicase subunit; minus strand). Cytogenetic location: 19q13.32.
Variant type: single nucleotide variant.
Coding change: c.74T>G on transcript NM_000400.4 (MANE Select); coding-DNA position 74, T replaced by G.
Protein change: p.Met25Arg; replaces methionine 25 with arginine.
Molecular consequence: missense variant. On other transcripts: initiator codon variant (1).
Genome position (GRCh38, 1-based): chr19:45,370,164, A>C on the plus strand (T>G on the coding strand, the complement: ERCC2 is on the minus strand). VCF-style: chr19-45370164-A-C. GRCh37 (hg19) VCF-style: chr19-45873422-A-C.
Other names: c.2T>G, p.Met1Arg (NM_001130867.2); short protein forms M1R, M25R.
Identifiers: ClinVar variation 1521603 (VCV001521603.6), dbSNP rs2123319234, ClinGen allele CA406379896.